The following is an entry in ClinVar:

ClinVar aggregate classification (germline): Uncertain significance (1 of 4 stars; one submission).

Conditions:
Congenital disorder of deglycosylation (CDDG). Identifiers: MedGen C3808991, MONDO:0031376.

Allele frequency attached by ClinVar (database versions not stated): TOPMed below 0.00001.

Submission:

Labcorp Genetics (formerly Invitae), Labcorp
Classification: Uncertain significance for Congenital disorder of deglycosylation. Last evaluated: 2021-08-24. Review status: criteria provided, single submitter. Criteria: Invitae Variant Classification Sherloc (09022015). Collection method: clinical testing. Allele origin: germline.
Comment: This sequence change replaces serine with leucine at codon 124 of the NGLY1 protein (p.Ser124Leu). The serine residue is weakly conserved and there is a large physicochemical difference between serine and leucine. This variant is not present in population databases (ExAC no frequency). This variant has not been reported in the literature in individuals affected with NGLY1-related conditions. Algorithms developed to predict the effect of missense changes on protein structure and function output the following: SIFT: "Tolerated"; PolyPhen-2: "Benign"; Align-GVGD: "Class C0". The leucine amino acid residue is found in multiple mammalian species, which suggests that this missense change does not adversely affect protein function. In summary, the available evidence is currently insufficient to determine the role of this variant in disease. Therefore, it has been classified as a Variant of Uncertain Significance.

NM_018297.4(NGLY1):c.371C>T (p.Ser124Leu)

Gene: NGLY1 (N-glycanase 1; minus strand). Cytogenetic location: 3p24.2.
Variant type: single nucleotide variant.
Coding change: c.371C>T on transcript NM_018297.4 (MANE Select); coding-DNA position 371, C replaced by T.
Protein change: p.Ser124Leu; replaces serine 124 with leucine.
Molecular consequence: missense variant.
Genome position (GRCh38, 1-based): chr3:25,764,187, G>A on the plus strand (C>T on the coding strand, the complement: NGLY1 is on the minus strand). VCF-style: chr3-25764187-G-A. GRCh37 (hg19) VCF-style: chr3-25805678-G-A.
Other names: c.371C>T, p.Ser124Leu (NM_001145293.2, NM_001145295.2); c.245C>T, p.Ser82Leu (NM_001145294.2); short protein forms S124L, S82L.
Identifiers: ClinVar variation 1357827 (VCV001357827.5), dbSNP rs1707448596, ClinGen allele CA351909046.